The following is an entry in ClinVar:

NM_001035.3(RYR2):c.849-8T>C

Gene: RYR2 (ryanodine receptor 2; plus strand). Cytogenetic location: 1q43.
Variant type: single nucleotide variant.
Coding change: c.849-8T>C on transcript NM_001035.3 (MANE Select); 8 bases into the intron before coding-DNA position 849, T replaced by C.
Molecular consequence: intron variant.
Genome position (GRCh38, 1-based): chr1:237,423,084, T>C. VCF-style: chr1-237423084-T-C. GRCh37 (hg19) VCF-style: chr1-237586384-T-C.
Other names: p.?.
Identifiers: ClinVar variation 43834 (VCV000043834.31), dbSNP rs16835237, ClinGen allele CA011061.

ClinVar aggregate classification (germline): Benign. Review status: criteria provided, multiple submitters, no conflicts (2 of 4 stars). 12 submissions from 11 submitters: Benign (12). Last evaluated 2026-02-04.

Conditions:
Cardiovascular phenotype. Identifiers: MedGen CN230736.
Cardiomyopathy (CMYO). Also called: Cardiomyopathies. Identifiers: Orphanet 167848, MedGen C0878544, MONDO:0004994, HP:0001638. Inheritance: Various modes of inheritance.
Catecholaminergic polymorphic ventricular tachycardia 1. Also called: VENTRICULAR TACHYCARDIA, CATECHOLAMINERGIC POLYMORPHIC, 1, WITH OR WITHOUT ATRIAL DYSFUNCTION AND/OR DILATED CARDIOMYOPATHY; VENTRICULAR TACHYCARDIA, STRESS-INDUCED POLYMORPHIC 1; RYR2-Related Catecholaminergic Polymorphic Ventricular Tachycardia. Identifiers: Orphanet 3286, MedGen C1631597, MONDO:0011484, OMIM 604772.
Arrhythmogenic right ventricular dysplasia 2. Identifiers: MedGen C1832931.

Allele frequency attached by ClinVar (database versions not stated): ESP Exome Variant Server 0.08789; gnomAD 0.09863 and 0.10449; gnomAD exomes 0.10717 and 0.14708; TOPMed 0.11373; ExAC 0.14033; 1000 Genomes Project 30x 0.16771; 1000 Genomes Project 0.17013.
gnomAD v4.1: 172,613 of 1,609,586 alleles (11%); highest among the groups gnomAD compares: Admixed American, 27%; 11,647 homozygotes.

Submissions (12):

Labcorp Genetics (formerly Invitae), Labcorp
Classification: Benign for Catecholaminergic polymorphic ventricular tachycardia 1. Last evaluated: 2026-02-04. Review status: criteria provided, single submitter. Criteria: Invitae Variant Classification Sherloc (09022015). Collection method: clinical testing. Allele origin: germline.

Blueprint Genetics
Classification: Benign. Last evaluated: 2024-11-26. Review status: criteria provided, single submitter. Criteria: ACMG Guidelines, 2015. Collection method: clinical testing. Allele origin: germline.

Color Diagnostics, LLC DBA Color Health
Classification: Benign for Cardiomyopathy. Last evaluated: 2018-03-09. Review status: criteria provided, single submitter. Criteria: ACMG Guidelines, 2015. Collection method: clinical testing. Allele origin: germline.

Illumina Laboratory Services, Illumina
Classification: Benign for Catecholaminergic polymorphic ventricular tachycardia 1. Last evaluated: 2018-01-12. Review status: criteria provided, single submitter. Criteria: ICSL Variant Classification Criteria 13 December 2019. Collection method: clinical testing. Allele origin: germline.
Comment: This variant was observed in the ICSL laboratory as part of a predisposition screen in an ostensibly healthy population. It had not been previously curated by ICSL or reported in the Human Gene Mutation Database (HGMD: prior to June 1st, 2018), and was therefore a candidate for classification through an automated scoring system. Utilizing variant allele frequency, disease prevalence and penetrance estimates, and inheritance mode, an automated score was calculated to assess if this variant is too frequent to cause the disease. Based on the score and internal cut-off values, a variant classified as benign is not then subjected to further curation. The score for this variant resulted in a classification of benign for this disease.

Illumina Laboratory Services, Illumina
Classification: Benign for Catecholaminergic polymorphic ventricular tachycardia 1. Last evaluated: 2018-01-12. Review status: criteria provided, single submitter. Criteria: ICSL Variant Classification Criteria 13 December 2019. Collection method: clinical testing. Allele origin: germline.
Comment: the same text as in the submission from Illumina Laboratory Services, Illumina above.

GeneDx
Classification: Benign. Last evaluated: 2015-03-03. Review status: criteria provided, single submitter. Criteria: GeneDx Variant Classification Process June 2021. Collection method: clinical testing. Allele origin: germline. Affected: yes.

Ambry Genetics
Classification: Benign for Cardiovascular phenotype. Last evaluated: 2014-12-08. Review status: criteria provided, single submitter. Criteria: Ambry Variant Classification Scheme 2023. Collection method: clinical testing. Allele origin: germline.

Mayo Clinic Laboratories, Mayo Clinic
Classification: Benign. Last evaluated: 2014-05-07. Review status: criteria provided, single submitter. Criteria: ACMG Guidelines, 2015. Collection method: clinical testing. Allele origin: germline. Observed: 256 variant alleles.

Eurofins Ntd Llc (ga)
Classification: Benign. Last evaluated: 2013-11-12. Review status: criteria provided, single submitter. Criteria: EGL Classification Definitions 2015. Collection method: clinical testing. Allele origin: germline. Observed: 1 variant allele, 1 heterozygote.

Laboratory for Molecular Medicine, Mass General Brigham Personalized Medicine
Classification: Benign. Last evaluated: 2012-04-16. Review status: criteria provided, single submitter. Criteria: LMM Criteria. Collection method: clinical testing. Allele origin: germline. Observed: 411 variant alleles.
Comment: 849-8T>C in Intron 11 of RYR2: This variant has been classified as benign based on high population frequency (MAF=0.164, rs16835237)

Breakthrough Genomics
Classification: Benign. Review status: criteria provided, single submitter. Criteria: ACMG Guidelines, 2015. Collection method: not provided. Allele origin: germline. Inheritance: Autosomal dominant inheritance. Affected: yes.

PreventionGenetics, part of Exact Sciences
Classification: Benign. Review status: criteria provided, single submitter. Criteria: ACMG Guidelines, 2015. Collection method: clinical testing. Allele origin: germline.